The following is an entry in ClinVar:

NM_005546.4(ITK):c.1550G>A (p.Gly517Asp)

Gene: ITK (IL2 inducible T cell kinase; plus strand). Cytogenetic location: 5q33.3.
Variant type: single nucleotide variant.
Coding change: c.1550G>A on transcript NM_005546.4 (MANE Select); coding-DNA position 1550, G replaced by A.
Protein change: p.Gly517Asp; replaces glycine 517 with aspartic acid.
Molecular consequence: missense variant.
Genome position (GRCh38, 1-based): chr5:157,245,916, G>A. VCF-style: chr5-157245916-G-A. GRCh37 (hg19) VCF-style: chr5-156672926-G-A.
Other names: short protein forms G517D.
Identifiers: ClinVar variation 1339017 (VCV001339017.2), dbSNP rs2113776005, ClinGen allele CA361962404.
Genomic context (GRCh38, chr5:157,245,916, plus strand): 5'-CCTTCTCCCTCCACTCTCTTCCCAGGTTCGTTCTGGATGATCAGTACACCAGTTCCACAG[G>A]CACCAAATTCCCGGTGAAGTGGGCATCCCCAGAGGTTTTCTCTTTCAGTCGCTATAGCAG-3'
Protein context (NP_005537.3, residues 507-527): VLDDQYTSST[Gly517Asp]TKFPVKWASP

ClinVar aggregate classification (germline): Uncertain significance (1 of 4 stars; one submission).

Conditions:
Lymphoproliferative syndrome 1 (LPFS1). Identifiers: Orphanet 238505, Orphanet 538963, MedGen C3552634, MONDO:0013081, OMIM 613011.

Allele frequency attached by ClinVar (database versions not stated): gnomAD exomes below 0.00001.
gnomAD v4.1: 3 of 1,614,136 alleles (0.00019%); highest among the groups gnomAD compares: South Asian, 0.0033%; no homozygotes.

Submission:

Neuberg Centre For Genomic Medicine, NCGM
Classification: Uncertain significance for Lymphoproliferative syndrome 1. Review status: criteria provided, single submitter. Criteria: ACMG Guidelines, 2015. Collection method: clinical testing. Allele origin: germline. Affected: yes.
Comment: The missense variant p.G517D in ITK (NM_005546.3) has not been reported previously as a pathogenic variant nor as a benign variant, to our knowledge. The p.G517D variant is novel (not in any individuals) in gnomAD Exomes and is novel (not in any individuals) in 1000 Genomes. There is a moderate physicochemical difference between glycine and aspartic acid. The p.G517D missense variant is predicted to be damaging by both SIFT and PolyPhen2. The glycine residue at codon 517 of ITK is conserved in all mammalian species. The nucleotide c.1550 in ITK is predicted conserved by GERP++ and PhyloP across 100 vertebrates. For these reasons, this variant has been classified as Uncertain Significance.